The following is an entry in ClinVar:

ClinVar aggregate classification (germline): Uncertain significance. Review status: criteria provided, multiple submitters, no conflicts (2 of 4 stars). 5 submissions from 5 submitters: Uncertain significance (5). Last evaluated 2025-01-12.

Conditions:
Cardiovascular phenotype. Identifiers: MedGen CN230736.
Walker-Warburg congenital muscular dystrophy. Also called: Muscular dystrophy-dystroglycanopathy, type A; Walker-Warburg syndrome. Identifiers: Orphanet 899, MedGen C0265221, MONDO:0000171.
Muscular dystrophy-dystroglycanopathy (congenital with brain and eye anomalies), type A1 (MDDGA1). Also called: Muscular dystrophy-dystroglycanopathy (congenital with brain and eye anomalies), type A, 1; WALKER-WARBURG SYNDROME OR MUSCLE-EYE-BRAIN DISEASE, POMT1-RELATED; Hydrocephalus, agyria and retinal dysplasia; Hard +/- E syndrome; Warburg syndrome; Chemke syndrome. Identifiers: Orphanet 588, Orphanet 899, MedGen C4284790, MONDO:0009364, OMIM 236670.
Muscular dystrophy-dystroglycanopathy (congenital with brain and eye anomalies), type A5. Also called: WALKER-WARBURG SYNDROME OR MUSCLE-EYE-BRAIN DISEASE, FKRP-RELATED; MUSCULAR DYSTROPHY-DYSTROGLYCANOPATHY (CONGENITAL WITH BRAIN AND EYE ANOMALIES), TYPE A, 5. Identifiers: Orphanet 588, Orphanet 899, MedGen C3150413, MONDO:0013157, OMIM 613153.
Muscular dystrophy-dystroglycanopathy type B5 (MDDGB5). Also called: MUSCULAR DYSTROPHY-DYSTROGLYCANOPATHY (CONGENITAL WITH OR WITHOUT IMPAIRED INTELLECTUAL DEVELOPMENT), TYPE B, 5; MUSCULAR DYSTROPHY, CONGENITAL, 1C; MUSCULAR DYSTROPHY, CONGENITAL, FKRP-RELATED. Identifiers: MedGen C1847759, MONDO:0011688, OMIM 606612.
Autosomal recessive limb-girdle muscular dystrophy type 2I. Also called: MUSCULAR DYSTROPHY-DYSTROGLYCANOPATHY (LIMB-GIRDLE), TYPE C, 5; MUSCULAR DYSTROPHY-DYSTROGLYCANOPATHY, LIMB-GIRDLE, FRKP-RELATED; MUSCULAR DYSTROPHY, LIMB-GIRDLE, TYPE 2I. Identifiers: Orphanet 34515, MedGen C1846672, MONDO:0011787, OMIM 607155.

Allele frequency attached by ClinVar (database versions not stated): gnomAD 0.00001; TOPMed 0.00003; ESP Exome Variant Server 0.00016.
gnomAD v4.1: 5 of 1,612,716 alleles (0.00031%); highest among the groups gnomAD compares: African/African-American, 0.0053%; no homozygotes.

Submissions (5):

Labcorp Genetics (formerly Invitae), Labcorp
Classification: Uncertain significance for Walker-Warburg congenital muscular dystrophy. Last evaluated: 2025-01-12. Review status: criteria provided, single submitter. Criteria: Invitae Variant Classification Sherloc (09022015). Collection method: clinical testing. Allele origin: germline.
Comment: This sequence change replaces serine, which is neutral and polar, with arginine, which is basic and polar, at codon 494 of the FKRP protein (p.Ser494Arg). This variant is present in population databases (rs373244438, gnomAD 0.02%). This variant has not been reported in the literature in individuals affected with FKRP-related conditions. ClinVar contains an entry for this variant (Variation ID: 1014431). Invitae Evidence Modeling of protein sequence and biophysical properties (such as structural, functional, and spatial information, amino acid conservation, physicochemical variation, residue mobility, and thermodynamic stability) has been performed for this missense variant. However, the output from this modeling did not meet the statistical confidence thresholds required to predict the impact of this variant on FKRP protein function. In summary, the available evidence is currently insufficient to determine the role of this variant in disease. Therefore, it has been classified as a Variant of Uncertain Significance.

Ambry Genetics
Classification: Uncertain significance for Cardiovascular phenotype. Last evaluated: 2024-01-29. Review status: criteria provided, single submitter. Criteria: Ambry Variant Classification Scheme 2023. Collection method: clinical testing. Allele origin: germline.
Comment: The p.S494R variant (also known as c.1482C>A), located in coding exon 1 of the FKRP gene, results from a C to A substitution at nucleotide position 1482. The serine at codon 494 is replaced by arginine, an amino acid with dissimilar properties. This amino acid position is not well conserved in available vertebrate species. In addition, this alteration is predicted to be tolerated by in silico analysis. Since supporting evidence is limited at this time, the clinical significance of this alteration remains unclear.

Mayo Clinic Laboratories, Mayo Clinic
Classification: Uncertain significance. Last evaluated: 2022-08-05. Review status: criteria provided, single submitter. Criteria: ACMG Guidelines, 2015. Collection method: clinical testing. Allele origin: germline. Observed: 1 variant allele.
Comment: PM2

Revvity Omics, Revvity
Classification: Uncertain significance. Last evaluated: 2021-12-14. Review status: criteria provided, single submitter. Criteria: ACMG Guidelines, 2015. Collection method: clinical testing. Allele origin: germline.

Fulgent Genetics
Classification: Uncertain significance for Muscular dystrophy-dystroglycanopathy (congenital with brain and eye anomalies), type A1; Muscular dystrophy-dystroglycanopathy type B5; Autosomal recessive limb-girdle muscular dystrophy type 2I; Muscular dystrophy-dystroglycanopathy (congenital with brain and eye anomalies), type A5. Last evaluated: 2021-08-18. Review status: criteria provided, single submitter. Criteria: ACMG Guidelines, 2015. Collection method: clinical testing. Allele origin: unknown.

NM_024301.5(FKRP):c.1482C>A (p.Ser494Arg)

Gene: FKRP (fukutin related protein; plus strand). Cytogenetic location: 19q13.32.
Variant type: single nucleotide variant.
Coding change: c.1482C>A on transcript NM_024301.5 (MANE Select); coding-DNA position 1482, C replaced by A.
Protein change: p.Ser494Arg; replaces serine 494 with arginine.
Molecular consequence: missense variant.
Genome position (GRCh38, 1-based): chr19:46,756,932, C>A. VCF-style: chr19-46756932-C-A. GRCh37 (hg19) VCF-style: chr19-47260189-C-A.
Other names: p.Ser494Arg; c.1482C>A, p.Ser494Arg (NM_001039885.3); short protein forms S494R.
Identifiers: ClinVar variation 1014431 (VCV001014431.16), dbSNP rs373244438, ClinGen allele CA9532330.